The following is an entry in ClinVar:

NM_006445.4(PRPF8):c.445A>G (p.Ile149Val)

Gene: PRPF8 (pre-mRNA processing factor 8; minus strand). Cytogenetic location: 17p13.3.
Variant type: single nucleotide variant.
Coding change: c.445A>G on transcript NM_006445.4 (MANE Select); coding-DNA position 445, A replaced by G.
Protein change: p.Ile149Val; replaces isoleucine 149 with valine.
Molecular consequence: missense variant.
Genome position (GRCh38, 1-based): chr17:1,682,028, T>C on the plus strand (A>G on the coding strand, the complement: PRPF8 is on the minus strand). VCF-style: chr17-1682028-T-C. GRCh37 (hg19) VCF-style: chr17-1585322-T-C.
Other names: short protein forms I149V.
Identifiers: ClinVar variation 3393673 (VCV003393673.1).

ClinVar aggregate classification (germline): Uncertain significance (1 of 4 stars; one submission).

Submission:

GeneDx
Classification: Uncertain significance. Last evaluated: 2024-06-29. Review status: criteria provided, single submitter. Criteria: GeneDx Variant Classification Process June 2021. Collection method: clinical testing. Allele origin: germline. Affected: yes.
Comment: Not observed at significant frequency in large population cohorts (gnomAD); In silico analysis indicates that this missense variant does not alter protein structure/function; Has not been previously published as pathogenic or benign to our knowledge